The following is an entry in ClinVar:

ClinVar aggregate classification (germline): Likely benign. Review status: criteria provided, multiple submitters, no conflicts (2 of 4 stars). 2 submissions from 2 submitters: Likely benign (2). Last evaluated 2024-03-24.

Conditions:
Long QT syndrome (LQTS). Identifiers: MedGen C0023976, MeSH D008133, MONDO:0002442. Disease mechanism: loss of function. Inheritance: Various modes of inheritance.

Allele frequency attached by ClinVar (database versions not stated): TOPMed below 0.00001; gnomAD 0.00001.
gnomAD v4.1: 1 of 1,613,160 alleles (0.000062%); highest among the groups gnomAD compares: Non-Finnish European, 0.000085%; no homozygotes.

Submissions (2):

All of Us Research Program, National Institutes of Health
Classification: Likely benign for Long QT syndrome. Last evaluated: 2024-03-24. Review status: criteria provided, single submitter. Criteria: ACMG Guidelines, 2015. Collection method: clinical testing. Allele origin: germline. Inheritance: Autosomal dominant inheritance. Observed: 1 variant allele, 1 heterozygote.
Comment: This study involves interpretation of variants in research participants for the purpose of population health screening. Participant phenotype was not available at the time of variant classification. Additional details can be found in publication PMID: 35346344, PMCID: PMC8962531

Labcorp Genetics (formerly Invitae), Labcorp
Classification: Likely benign for Long QT syndrome. Last evaluated: 2023-01-14. Review status: criteria provided, single submitter. Criteria: Invitae Variant Classification Sherloc (09022015). Collection method: clinical testing. Allele origin: germline.

NM_000218.3(KCNQ1):c.615G>A (p.Val205=)

Gene: KCNQ1 (potassium voltage-gated channel subfamily Q member 1; plus strand). Cytogenetic location: 11p15.5.
Variant type: single nucleotide variant.
Coding change: c.615G>A on transcript NM_000218.3 (MANE Select); coding-DNA position 615, G replaced by A.
Protein change: p.Val205=; no amino-acid change (valine 205 retained).
Molecular consequence: synonymous variant. On other transcripts: intron variant (1).
Genome position (GRCh38, 1-based): chr11:2,571,335, G>A. VCF-style: chr11-2571335-G-A. GRCh37 (hg19) VCF-style: chr11-2592565-G-A.
Other names: c.615G>A, p.Val205= (NM_001406836.1); c.345G>A, p.Val115= (NM_001406837.1); c.234G>A, p.Val78= (NM_181798.2); c.478-12100G>A (NM_001406838.1).
Identifiers: ClinVar variation 2721665 (VCV002721665.4), dbSNP rs1365907442, ClinGen allele CA472037978.
Genomic context (GRCh38, chr11:2,571,335, plus strand): 5'-GCCCTGGCTGTGGCGATCACGAAAAGCTCCCCCTCTCCTGCACTCCACAGACCTCATCGT[G>A]GTCGTGGCCTCCATGGTGGTCCTCTGCGTGGGCTCCAAGGGGCAGGTGTTTGCCACGTCG-3'
Protein context (NP_000209.2, residues 195-215): RKPISIIDLI[Val205=]VVASMVVLCV